The following is an entry in ClinVar:

ClinVar aggregate classification (germline): Conflicting classifications of pathogenicity. Review status: criteria provided, conflicting classifications (1 of 4 stars). 2 submissions from 2 submitters: Likely pathogenic (1); Uncertain significance (1). Last evaluated 2026-09-01.

Conditions:
Hypophosphatasia. Also called: Phosphoethanol-aminuria. Identifiers: Orphanet 436, MedGen C0020630, MeSH D007014, MONDO:0018570.

gnomAD v4.1: 5 of 1,614,000 alleles (0.00031%); highest among the groups gnomAD compares: Non-Finnish European, 0.00042%; no homozygotes.

Submissions (2):

Genomenon, Inc
Classification: Uncertain significance for Hypophosphatasia. Last evaluated: 2026-09-01. Review status: criteria provided, single submitter. Criteria: Genomenon Sequence Variant Interpretation Standards - Updated. Collection method: curation. Allele origin: germline. Affected: no.
Comment: ALPL p.Asp294Glu (c.882C>A) is a missense variant that changes the amino acid at codon 294 from Aspartic acid to Glutamic acid. This variant has been reported in the published literature (PMID:39983296). It is absent or not present at a significant frequency in gnomAD. In silico models predict that this variant is possibly or probably damaging. In conclusion, we classify ALPL p.Asp294Glu (c.882C>A) as a variant of uncertain significance.

Labcorp Genetics (formerly Invitae), Labcorp
Classification: Likely pathogenic. Last evaluated: 2025-09-01. Review status: criteria provided, single submitter. Criteria: Invitae Variant Classification Sherloc (09022015). Collection method: clinical testing. Allele origin: germline.
Comment: This sequence change replaces aspartic acid, which is acidic and polar, with glutamic acid, which is acidic and polar, at codon 294 of the ALPL protein (p.Asp294Glu). This variant is not present in population databases (gnomAD no frequency). This variant has not been reported in the literature in individuals affected with ALPL-related conditions. Invitae Evidence Modeling of protein sequence and biophysical properties (such as structural, functional, and spatial information, amino acid conservation, physicochemical variation, residue mobility, and thermodynamic stability) indicates that this missense variant is expected to disrupt ALPL protein function with a positive predictive value of 95%. This variant disrupts the p.Asp294 amino acid residue in ALPL. Other variant(s) that disrupt this residue have been determined to be pathogenic (PMID: 1409720, 15694177, 19335222, 25731960). This suggests that this residue is clinically significant, and that variants that disrupt this residue are likely to be disease-causing. In summary, the currently available evidence indicates that the variant is pathogenic, but additional data are needed to prove that conclusively. Therefore, this variant has been classified as Likely Pathogenic.

Literature cited by the submitters: PubMed 39983296 (cited by Genomenon, Inc); PubMed 1409720 (cited by Labcorp Genetics (formerly Invitae), Labcorp); PubMed 15694177 (cited by Labcorp Genetics (formerly Invitae), Labcorp); PubMed 19335222 (cited by Labcorp Genetics (formerly Invitae), Labcorp); PubMed 25731960 (cited by Labcorp Genetics (formerly Invitae), Labcorp).

NM_000478.6(ALPL):c.882C>A (p.Asp294Glu)

Gene: ALPL (alkaline phosphatase, biomineralization associated; plus strand). Cytogenetic location: 1p36.12.
Variant type: single nucleotide variant.
Coding change: c.882C>A on transcript NM_000478.6 (MANE Select); coding-DNA position 882, C replaced by A.
Protein change: p.Asp294Glu; replaces aspartic acid 294 with glutamic acid.
Molecular consequence: missense variant.
Genome position (GRCh38, 1-based): chr1:21,573,684, C>A. VCF-style: chr1-21573684-C-A. GRCh37 (hg19) VCF-style: chr1-21900177-C-A.
Other names: c.717C>A, p.Asp239Glu (NM_001127501.4); c.651C>A, p.Asp217Glu (NM_001177520.3); c.882C>A, p.Asp294Glu (NM_001369803.2, NM_001369804.2, NM_001369805.2); short protein forms D239E, D217E, D294E.
Identifiers: ClinVar variation 4768519 (VCV004768519.2).